The following is an entry in ClinVar:

ClinVar aggregate classification (germline): Conflicting classifications of pathogenicity. Review status: criteria provided, conflicting classifications (1 of 4 stars). 6 submissions from 6 submitters: Uncertain significance (3); Likely benign (3). Last evaluated 2026-09-01.

Conditions:
Cardiovascular phenotype. Identifiers: MedGen CN230736.
Long QT syndrome (LQTS). Identifiers: MedGen C0023976, MeSH D008133, MONDO:0002442. Disease mechanism: loss of function. Inheritance: Various modes of inheritance.
ANK2-related disorder. Also called: ANK2-related condition.
Cardiac arrhythmia, ankyrin-B-related. Also called: ANKYRIN-B SYNDROME. Identifiers: Orphanet 101016, Orphanet 768, MedGen C1970119, MONDO:0010958, OMIM 600919.

Allele frequency attached by ClinVar (database versions not stated): ExAC 0.00006; gnomAD 0.00006; TOPMed 0.00006; gnomAD exomes 0.00007 and 0.00011; ESP Exome Variant Server 0.00008.
gnomAD v4.1: 164 of 1,613,914 alleles (0.01%); highest among the groups gnomAD compares: Middle Eastern, 0.049%; no homozygotes.

Submissions (6):

CeGaT Center for Human Genetics Tuebingen
Classification: Likely benign. Last evaluated: 2026-09-01. Review status: criteria provided, single submitter. Criteria: CeGaT Center For Human Genetics Tuebingen Variant Classification Criteria Version 2. Collection method: clinical testing. Allele origin: germline. Affected: yes. Observed: 2 variant alleles.
Comment: ANK2: BP4

Labcorp Genetics (formerly Invitae), Labcorp
Classification: Uncertain significance for Long QT syndrome. Last evaluated: 2025-03-10. Review status: criteria provided, single submitter. Criteria: Invitae Variant Classification Sherloc (09022015). Collection method: clinical testing. Allele origin: germline.
Comment: This sequence change replaces valine, which is neutral and non-polar, with glutamic acid, which is acidic and polar, at codon 1857 of the ANK2 protein (p.Val1857Glu). This variant is present in population databases (rs141212932, gnomAD 0.01%). This missense change has been observed in individual(s) with atrioventricular block and arrhythmia (PMID: 27110552). It has also been observed to segregate with disease in related individuals. ClinVar contains an entry for this variant (Variation ID: 406489). Invitae Evidence Modeling of protein sequence and biophysical properties (such as structural, functional, and spatial information, amino acid conservation, physicochemical variation, residue mobility, and thermodynamic stability) indicates that this missense variant is expected to disrupt ANK2 protein function with a positive predictive value of 80%. In summary, the available evidence is currently insufficient to determine the role of this variant in disease. Therefore, it has been classified as a Variant of Uncertain Significance.

Ambry Genetics
Classification: Likely benign for Cardiovascular phenotype. Last evaluated: 2025-03-07. Review status: criteria provided, single submitter. Criteria: Ambry Variant Classification Scheme 2023. Collection method: clinical testing. Allele origin: germline.

GeneDx
Classification: Uncertain significance. Last evaluated: 2024-12-03. Review status: criteria provided, single submitter. Criteria: GeneDx Variant Classification Process June 2021. Collection method: clinical testing. Allele origin: germline. Affected: yes.
Comment: In silico analysis indicates that this missense variant does not alter protein structure/function; Located in exon 38, which is reported as being expressed in a brain-specific transcript (PMID: 1830053, 18790697, 26109584); This variant is associated with the following publications: (PMID: 34426522, 25351510, 27110552)

PreventionGenetics, part of Exact Sciences
Classification: Uncertain significance for ANK2-related condition. Last evaluated: 2022-11-19. Review status: criteria provided, single submitter. Criteria: ACMG Guidelines, 2015. Collection method: clinical testing. Allele origin: germline.
Comment: The ANK2 c.5570T>A variant is predicted to result in the amino acid substitution p.Val1857Glu. This variant was reported in four siblings with cardiac arrhythmia (Asadi et al. 2016. PubMed ID: 27110552). This variant is reported in 0.011% of alleles in individuals of European (Non-Finnish) descent in gnomAD. At this time, the clinical significance of this variant is uncertain due to the absence of conclusive functional and genetic evidence.

Illumina Laboratory Services, Illumina
Classification: Likely benign for Cardiac arrhythmia, ankyrin-B-related. Last evaluated: 2017-08-31. Review status: criteria provided, single submitter. Criteria: ICSL Variant Classification Criteria 13 December 2019. Collection method: clinical testing. Allele origin: germline.
Comment: This variant was observed as part of a predisposition screen in an ostensibly healthy population. A literature search was performed for the gene, cDNA change, and amino acid change (where applicable). Publications were found based on this search. The evidence from the literature, in combination with allele frequency data from public databases where available, was sufficient to determine this variant is unlikely to cause disease. Therefore, this variant is classified as likely benign.

Literature cited by the submitters: PubMed 27110552 (cited by Labcorp Genetics (formerly Invitae), Labcorp and Illumina Laboratory Services, Illumina); PubMed 27875062 (cited by Illumina Laboratory Services, Illumina).

NM_001148.6(ANK2):c.5570T>A (p.Val1857Glu)

Genes: ANK2 (ankyrin 2; plus strand), LOC126807136 (MED14-independent group 3 enhancer GRCh37_chr4:114274931-114276130; plus strand). Cytogenetic location: 4q26.
Variant type: single nucleotide variant.
Coding change: c.5570T>A on transcript NM_001148.6 (MANE Select); coding-DNA position 5570, T replaced by A.
Protein change: p.Val1857Glu; replaces valine 1857 with glutamic acid.
Molecular consequence: missense variant. On other transcripts: intron variant (68).
Genome position (GRCh38, 1-based): chr4:113,354,188, T>A. VCF-style: chr4-113354188-T-A. GRCh37 (hg19) VCF-style: chr4-114275344-T-A.
Other names: c.5336T>A, p.Val1779Glu (NM_001386142.1); c.1970T>A, p.Val657Glu (NM_001386166.1); c.5711T>A, p.Val1904Glu (NM_001386174.1); c.5687T>A, p.Val1896Glu (NM_001386175.1); c.4411+3939T>A (NM_001386186.2, NM_001386148.2); c.4213+3939T>A (NM_001354269.3); c.4291+3939T>A (NM_001386187.2); c.4252+3939T>A (NM_001386147.1); and 35 more; short protein forms V1857E, V1779E, V1896E, V1904E, V657E.
Identifiers: ClinVar variation 406489 (VCV000406489.19), dbSNP rs141212932, ClinGen allele CA3051255.